The following is an entry in ClinVar:

ClinVar aggregate classification (germline): Uncertain significance (0 of 4 stars; one submission).

Conditions:
Cryptozoospermia. Identifiers: MedGen C3279550, HP:0030974.

gnomAD v4.1: 2 of 1,612,766 alleles (0.00012%); highest among the groups gnomAD compares: Non-Finnish European, 0.00017%; no homozygotes.

Submission:

Yatsenko Laboratory, Magee-Womens Research Institute, University of Pittsburgh
Classification: Uncertain significance for Cryptozoospermia. Last evaluated: 2025-01-21. Review status: no assertion criteria provided. Collection method: clinical testing. Allele origin: unknown. Affected: yes.
Comment: This variant g.38549940_38549940T>C (p.Asp160Gly) in the DMC1 gene has an MAF of 0.000001240 in the general population according to gnomAD v.4.1.0. The total allele count is 2 in the European (non-Finnish) population in 1 male and 1 female; no homozygous individuals have been reported for this variant. In silico predictors predict this variant to be "pathogenic" (Polyphen) and "damaging" (SIFT, MutationTaster, CADD, REVEL). While variants in DMC1 are only linked with recessive infertility models in human males previously, a dominant missense male mouse and dominant yeast model was created (Bannister et al. 2007) previously, so we are cautiously considering this as a variant of uncertain significance and could possibly contribute to the phenotype observed in the patient in either a dominant or multigenic fashion.

NM_007068.4(DMC1):c.479A>G (p.Asp160Gly)

Gene: DMC1 (DNA meiotic recombinase 1; minus strand). Cytogenetic location: 22q13.1.
Variant type: single nucleotide variant.
Coding change: c.479A>G on transcript NM_007068.4 (MANE Select); coding-DNA position 479, A replaced by G.
Protein change: p.Asp160Gly; replaces aspartic acid 160 with glycine.
Molecular consequence: missense variant. On other transcripts: intron variant (2).
Genome position (GRCh38, 1-based): chr22:38,549,940, T>C on the plus strand (A>G on the coding strand, the complement: DMC1 is on the minus strand). VCF-style: chr22-38549940-T-C. GRCh37 (hg19) VCF-style: chr22-38945945-T-C.
Other names: c.421+2726A>G (NM_001363017.2, NM_001278208.2); short protein forms D160G.
Identifiers: ClinVar variation 3629601 (VCV003629601.2).